The following is an entry in ClinVar:

ClinVar aggregate classification (germline): Likely benign. Review status: criteria provided, multiple submitters, no conflicts (2 of 4 stars). 2 submissions from 2 submitters: Likely benign (2). Last evaluated 2026-07-01.

gnomAD v4.1: 3,972 of 1,613,994 alleles (0.25%); highest among the groups gnomAD compares: Admixed American, 0.47%; 5 homozygotes.

Submissions (2):

CeGaT Center for Human Genetics Tuebingen
Classification: Likely benign. Last evaluated: 2026-07-01. Review status: criteria provided, single submitter. Criteria: CeGaT Center For Human Genetics Tuebingen Variant Classification Criteria Version 2. Collection method: clinical testing. Allele origin: germline. Affected: yes. Observed: 1 variant allele.
Comment: UBA2: BP4, BS1

Blueprint Genetics
Classification: Likely benign. Last evaluated: 2024-11-21. Review status: criteria provided, single submitter. Criteria: ACMG Guidelines, 2015. Collection method: clinical testing. Allele origin: germline.

NM_005499.3(UBA2):c.258A>G (p.Lys86=)

Gene: UBA2 (ubiquitin like modifier activating enzyme 2; plus strand). Cytogenetic location: 19q13.11.
Variant type: single nucleotide variant.
Coding change: c.258A>G on transcript NM_005499.3 (MANE Select); coding-DNA position 258, A replaced by G.
Protein change: p.Lys86=; no amino-acid change (lysine 86 retained).
Molecular consequence: synonymous variant. On other transcripts: 5 prime UTR variant (1).
Genome position (GRCh38, 1-based): chr19:34,431,896, A>G. VCF-style: chr19-34431896-A-G. GRCh37 (hg19) VCF-style: chr19-34922801-A-G.
Other names: c.-31A>G (NM_001411139.1).
Identifiers: ClinVar variation 4941821 (VCV004941821.2).
Genomic context (GRCh38, chr19:34,431,896, plus strand): 5'-AATTCAGTGTTGTTTATTTTTCCAGGTTGCCAAGGAAAGTGTACTGCAGTTTTACCCGAA[A>G]GCTAATATCGTTGCCTACCATGACAGCATCATGAAGTATGCTATAGTGATTACATTGCAA-3'
Protein context (NP_005490.1, residues 76-96): AKESVLQFYP[Lys86=]ANIVAYHDSI